The following is an entry in ClinVar:

ClinVar aggregate classification (germline): Benign (1 of 4 stars; one submission).

Allele frequency attached by ClinVar (database versions not stated): 1000 Genomes Project 30x 0.89975; TOPMed 0.90266; 1000 Genomes Project 0.90435; gnomAD 0.90930 and 0.91484.
gnomAD v4.1: 139,172 of 152,120 alleles (91%); highest among the groups gnomAD compares: East Asian, 100%; 64,592 homozygotes.

Submission:

GeneDx
Classification: Benign. Last evaluated: 2018-06-19. Review status: criteria provided, single submitter. Criteria: GeneDx Variant Classification (06012015). Collection method: clinical testing. Allele origin: germline. Affected: yes.
Comment: This variant is considered likely benign or benign based on one or more of the following criteria: it is a conservative change, it occurs at a poorly conserved position in the protein, it is predicted to be benign by multiple in silico algorithms, and/or has population frequency not consistent with disease.

NM_173630.4(RTTN):c.6596-273A>G

Gene: RTTN (rotatin; minus strand). Cytogenetic location: 18q22.2.
Variant type: single nucleotide variant.
Coding change: c.6596-273A>G on transcript NM_173630.4 (MANE Select); 273 bases into the intron before coding-DNA position 6596, A replaced by G.
Molecular consequence: intron variant.
Genome position (GRCh38, 1-based): chr18:70,004,509, T>C on the plus strand (A>G on the coding strand, the complement: RTTN is on the minus strand). VCF-style: chr18-70004509-T-C. GRCh37 (hg19) VCF-style: chr18-67671745-T-C.
Other names: c.3860-273A>G (NM_001318520.2).
Identifiers: ClinVar variation 684156 (VCV000684156.1), dbSNP rs7241642, ClinGen allele CA16561975.